The following is an entry in ClinVar:

NM_001375524.1(TRRAP):c.4212C>T (p.Ala1404=)

Gene: TRRAP (transformation/transcription domain associated protein; plus strand). Cytogenetic location: 7q22.1.
Variant type: single nucleotide variant.
Coding change: c.4212C>T on transcript NM_001375524.1 (MANE Select); coding-DNA position 4212, C replaced by T.
Protein change: p.Ala1404=; no amino-acid change (alanine 1404 retained).
Molecular consequence: synonymous variant.
Genome position (GRCh38, 1-based): chr7:98,937,256, C>T. VCF-style: chr7-98937256-C-T. GRCh37 (hg19) VCF-style: chr7-98534879-C-T.
Other names: c.4212C>T, p.Ala1404= (NM_001244580.2, NM_003496.4).
Identifiers: ClinVar variation 2186643 (VCV002186643.24), dbSNP rs557436112, ClinGen allele CA163082839.

ClinVar aggregate classification (germline): Likely benign. Review status: criteria provided, multiple submitters, no conflicts (2 of 4 stars). 2 submissions from 2 submitters: Likely benign (2). Last evaluated 2025-12-16.

Allele frequency attached by ClinVar (database versions not stated): gnomAD exomes 0.00001; TOPMed 0.00001; gnomAD 0.00003.

Submissions (2):

Labcorp Genetics (formerly Invitae), Labcorp
Classification: Likely benign. Last evaluated: 2025-12-16. Review status: criteria provided, single submitter. Criteria: Invitae Variant Classification Sherloc (09022015). Collection method: clinical testing. Allele origin: germline.

CeGaT Center for Human Genetics Tuebingen
Classification: Likely benign. Last evaluated: 2024-04-01. Review status: criteria provided, single submitter. Criteria: CeGaT Center For Human Genetics Tuebingen Variant Classification Criteria Version 2. Collection method: clinical testing. Allele origin: germline. Affected: yes. Observed: 1 variant allele.
Comment: TRRAP: BP4, BP7